The following is an entry in ClinVar:

NC_000014.8:g.(?_103148212)_(103192843_?)dup

Gene: RCOR1 (REST corepressor 1; plus strand). Cytogenetic location: 14q32.31.
Variant type: Duplication.
Identifiers: ClinVar variation 3244098 (VCV003244098.1).

ClinVar aggregate classification (germline): Uncertain significance (1 of 4 stars; one submission).

Submission:

Labcorp Genetics (formerly Invitae), Labcorp
Classification: Uncertain significance. Last evaluated: 2023-02-28. Review status: criteria provided, single submitter. Criteria: Invitae Variant Classification Sherloc (09022015). Collection method: clinical testing. Allele origin: unknown.
Comment: This variant results in a copy number gain of the genomic region encompassing exon(s) 3-12 of the RCOR1 gene. This region includes the termination codon of the gene. This copy number gain extends beyond the assayed region for this gene and therefore may encompass additional genes. As the precise location of this event is unknown, it may be in tandem or it may be located elsewhere in the genome. This variant has not been reported in the literature in individuals affected with RCOR1-related conditions. In summary, the available evidence is currently insufficient to determine the role of this variant in disease. Therefore, it has been classified as a Variant of Uncertain Significance.